The following is an entry in ClinVar:

NM_080632.3(UPF3B):c.674_677del (p.Arg225fs)

Gene: UPF3B (UPF3B regulator of nonsense mediated mRNA decay; minus strand). Cytogenetic location: Xq24.
Variant type: Microsatellite.
Coding change: c.674_677del on transcript NM_080632.3 (MANE Select); coding-DNA positions 674 to 677, 4 bases deleted (GAAA; older notation c.674_677delGAAA).
Protein change: p.Arg225fs; shifts the reading frame from arginine 225.
Molecular consequence: frameshift variant.
Genome position (GRCh38, 1-based): chrX:119,841,206-119,841,209, TTTC deleted on the plus strand (GAAA on the coding strand, the reverse complement: UPF3B is on the minus strand); deleting any 4 consecutive bases within chrX:119,841,206-119,841,214 gives the same sequence; the c. name uses the placement nearest the transcript's 3' end. VCF-style (leftmost placement, unchanged base first): chrX-119841205-TTTTC-T. GRCh37 (hg19) VCF-style: chrX-118975168-TTTTC-T.
Other names: c.674_677del, p.Arg225fs (NM_023010.4); c.674_677delGAAA (NM_080632.2, NM_080632.1); c.674_677del (NM_080632.2); short protein forms R225fs.
Identifiers: ClinVar variation 198608 (VCV000198608.64), dbSNP rs794727881, ClinGen allele CA203521.

ClinVar aggregate classification (germline): Pathogenic. Review status: criteria provided, multiple submitters, no conflicts (2 of 4 stars). 10 submissions from 10 submitters: Pathogenic (8). 2 of the submissions do not count toward it. Last evaluated 2026-09-01.

Conditions:
UPF3B-related disorder. Also called: UPF3B-related condition.
Inborn genetic diseases. Identifiers: MedGen C0950123, MeSH D030342.
Intellectual developmental disorder, X-linked, syndromic 14. Also called: Syndromic X-linked intellectual disability 14. Identifiers: Orphanet 776, MedGen C1970822, MONDO:0010398, OMIM 300676.
UPF3B-associated intellectual disability.

Submissions (10):

CeGaT Center for Human Genetics Tuebingen
Classification: Pathogenic. Last evaluated: 2026-09-01. Review status: criteria provided, single submitter. Criteria: CeGaT Center For Human Genetics Tuebingen Variant Classification Criteria Version 2. Collection method: clinical testing. Allele origin: germline. Affected: yes. Observed: 3 variant alleles.
Comment: UPF3B: PVS1, PM2, PS2:Moderate, PS4:Moderate

Ambry Genetics
Classification: Pathogenic for Inborn genetic diseases. Last evaluated: 2025-08-12. Review status: criteria provided, single submitter. Criteria: Ambry Variant Classification Scheme 2023. Collection method: clinical testing. Allele origin: germline.
Comment: The c.674_677delGAAA (p.R225Kfs*22) alteration, located in exon 7 (coding exon 7) of the UPF3B gene, consists of a deletion of 4 nucleotides from position 674 to 677, causing a translational frameshift with a predicted alternate stop codon after 22 amino acids. This alteration is expected to result in loss of function by premature protein truncation or nonsense-mediated mRNA decay. This variant was not reported in population-based cohorts in the Genome Aggregation Database (gnomAD). This variant was reported as hemizygous in individual(s) with features consistent with UPF3B-related neurodevelopmental disorder (Tarpey, 2007). Based on the available evidence, this alteration is classified as pathogenic.

Victorian Clinical Genetics Services, Murdoch Childrens Research Institute
Classification: Pathogenic for Intellectual developmental disorder, X-linked, syndromic 14. Last evaluated: 2024-09-23. Review status: criteria provided, single submitter. Criteria: ACMG Guidelines, 2015. Collection method: clinical testing. Allele origin: germline. Inheritance: X-linked recessive inheritance. Affected: yes.
Comment: Based on the classification scheme VCGS_Germline_v1.3.4, this variant is classified as Pathogenic. Following criteria are met: 0102 - Loss of function is a known mechanism of disease in this gene and is associated with intellectual developmental disorder, X-linked syndromic 14 (MIM#300676). (I) 0109 - This gene is associated with X-linked recessive disease. (I) 0201 - Variant is predicted to cause nonsense-mediated decay (NMD) and loss of protein (premature termination codon is located at least 54 nucleotides upstream of the final exon-exon junction). (SP) 0253 - This variant is hemizygous. (I) 0304 - Variant is present in gnomAD (v3) <0.01 for a recessive condition (2 heterozygotes, 0 homozygotes, 0 hemizygotes). (SP) 0701 - Many other NMD-predicted variants comparable to the one identified in this case have very strong previous evidence for pathogenicity (DECIPHER). (SP) 0801 - This variant has strong previous evidence of pathogenicity in unrelated individuals. This variant has been classified as pathogenic by multiple clinical laboratories in ClinVar. (I) Legend: (SP) - Supporting pathogenic, (I) - Information, (SB) - Supporting benign

Labcorp Genetics (formerly Invitae), Labcorp
Classification: Pathogenic for Intellectual developmental disorder, X-linked, syndromic 14. Last evaluated: 2024-05-15. Review status: criteria provided, single submitter. Criteria: Invitae Variant Classification Sherloc (09022015). Collection method: clinical testing. Allele origin: germline.
Comment: This sequence change creates a premature translational stop signal (p.Arg225Lysfs*22) in the UPF3B gene. It is expected to result in an absent or disrupted protein product. Loss-of-function variants in UPF3B are known to be pathogenic (PMID: 17704778, 19238151). This variant is not present in population databases (gnomAD no frequency). This premature translational stop signal has been observed in individual(s) with UPF3B-related conditions (PMID: 17704778). It has also been observed to segregate with disease in related individuals. This variant is also known as 674_677delGAAA and/or R225fs*20. ClinVar contains an entry for this variant (Variation ID: 198608). For these reasons, this variant has been classified as Pathogenic.

Blueprint Genetics
Classification: Pathogenic for UPF3B-related disorders. Last evaluated: 2023-07-27. Review status: criteria provided, single submitter. Criteria: ACMG Guidelines, 2015. Collection method: clinical testing. Allele origin: germline. Affected: yes. Observed: 1 variant allele.

GeneDx
Classification: Pathogenic. Last evaluated: 2022-02-02. Review status: criteria provided, single submitter. Criteria: GeneDx Variant Classification Process June 2021. Collection method: clinical testing. Allele origin: germline. Affected: yes.
Comment: Frameshift variant predicted to result in protein truncation or nonsense mediated decay in a gene for which loss-of-function is a known mechanism of disease; Not observed at significant frequency in large population cohorts (gnomAD); This variant is associated with the following publications: (PMID: 17704778, 26012578, 19377476, 24665081)

Revvity Omics, Revvity
Classification: Pathogenic for Intellectual developmental disorder, X-linked, syndromic 14. Last evaluated: 2022-01-17. Review status: criteria provided, single submitter. Criteria: ACMG Guidelines, 2015. Collection method: clinical testing. Allele origin: germline.

Eurofins Ntd Llc (ga)
Classification: Pathogenic. Last evaluated: 2014-12-02. Review status: criteria provided, single submitter. Criteria: EGL Classification Definitions 2015. Collection method: clinical testing. Allele origin: germline. Observed: 5 variant alleles, 2 heterozygotes, 3 hemizygotes.

Clinical Genomics Laboratory, Stanford Medicine
Classification: Pathogenic for Intellectual developmental disorder, X-linked, syndromic 14. Last evaluated: 2020-02-10. Review status: no assertion criteria provided. Collection method: clinical testing. Allele origin: germline. Inheritance: X-linked inheritance. Affected: yes. Not counted in ClinVar's aggregate classification.
Comment: The p.Arg225Lysfs*22 variant in the UPF3B gene has been reported de novo in 1 individual and maternally inherited in 4 additional unrelated individuals (GeneDx, personal communication, January 17, 2020; Tarpey et al., 2007). In one family the variant co-segregated with disease between siblings. All of these individuals were hemizygous males who presented features consistent with UPF3B-associated intellectual disability disorder. The p.Arg225Lysfs*22 variant results in a 4 bp deletion, which causes a shift in the protein reading frame, leading to a premature termination codon 22 amino acids downstream. Hemizygous loss of function is an established mechanism of disease for the UPF3B gene.The variant is absent from large population databases, including the Genome Aggregation Database. These data were assessed using the ACMG/AMP variant interpretation guidelines. In summary, there is sufficient evidence to classify the p.Arg225Lysfs*22 variant as pathogenic for X-linked UPF3B-associated intellectual disability disorder based on the information above. [ACMG evidence codes used: PVS1; PS2_supporting; PS4_supporting; PM2_supporting]

OMIM
Classification: Pathogenic for INTELLECTUAL DEVELOPMENTAL DISORDER, X-LINKED, SYNDROMIC 14. Last evaluated: 2007-09-01. Review status: no assertion criteria provided. Collection method: literature only. Allele origin: germline. Not counted in ClinVar's aggregate classification.

Literature cited by the submitters: PubMed 17704778 (cited by 4 submitters); PubMed 19238151 (cited by Labcorp Genetics (formerly Invitae), Labcorp); PubMed 9805132 (cited by OMIM).